The following is an entry in ClinVar:

NM_005576.4(LOXL1):c.475T>G (p.Ser159Ala)

Genes: LOXL1 (lysyl oxidase like 1; plus strand), LOXL1-AS1 (LOXL1 antisense RNA 1; minus strand). Cytogenetic location: 15q24.1.
Variant type: single nucleotide variant.
Coding change: c.475T>G on transcript NM_005576.4 (MANE Select); coding-DNA position 475, T replaced by G.
Protein change: p.Ser159Ala; replaces serine 159 with alanine.
Molecular consequence: missense variant.
Genome position (GRCh38, 1-based): chr15:73,927,258, T>G. VCF-style: chr15-73927258-T-G. GRCh37 (hg19) VCF-style: chr15-74219599-T-G.
Other names: short protein forms S159A.
Identifiers: ClinVar variation 3055709 (VCV003055709.2), dbSNP rs78803776, ClinGen allele CA7651554.
Genomic context (GRCh38, chr15:73,927,258, plus strand): 5'-ATGGCCCGGGCCCGCACCTCCGTCTCCCAGCAACGGCACGGGGGCTCCGCCTCCTCGGTC[T>G]CGGCTTCGGCCTTCGCCAGCACCTACCGCCAGCAGCCCTCCTACCCGCAGCAGTTCCCCT-3'
Protein context (NP_005567.2, residues 149-169): QRHGGSASSV[Ser159Ala]ASAFASTYRQ

ClinVar aggregate classification (germline): Benign (0 of 4 stars; one submission).

Conditions:
LOXL1-related disorder. Also called: LOXL1-related condition.

Allele frequency attached by ClinVar (database versions not stated): gnomAD exomes 0.00410; ExAC 0.01364; gnomAD 0.04560; 1000 Genomes Project 0.04613; ESP Exome Variant Server 0.04830; 1000 Genomes Project 30x 0.04934; TOPMed 0.05132.
gnomAD v4.1: 13,139 of 1,601,216 alleles (0.82%); highest among the groups gnomAD compares: African/African-American, 16%; 913 homozygotes.

Submission:

PreventionGenetics, part of Exact Sciences
Classification: Benign for LOXL1-related condition. Last evaluated: 2020-01-24. Review status: no assertion criteria provided. Collection method: clinical testing. Allele origin: germline.
Comment: This variant is classified as benign based on ACMG/AMP sequence variant interpretation guidelines (Richards et al. 2015 PMID: 25741868, with internal and published modifications).